The following is an entry in ClinVar:

NM_032578.4(MYPN):c.2917G>C (p.Val973Leu)

Gene: MYPN (myopalladin; plus strand). Cytogenetic location: 10q21.3.
Variant type: single nucleotide variant.
Coding change: c.2917G>C on transcript NM_032578.4 (MANE Select); coding-DNA position 2917, G replaced by C.
Protein change: p.Val973Leu; replaces valine 973 with leucine.
Molecular consequence: missense variant. On other transcripts: non-coding transcript variant (2).
Genome position (GRCh38, 1-based): chr10:68,189,118, G>C. VCF-style: chr10-68189118-G-C. GRCh37 (hg19) VCF-style: chr10-69948875-G-C.
Other names: c.2917G>C, p.Val973Leu (NM_001256267.2); c.2035G>C, p.Val679Leu (NM_001256268.2); short protein forms V973L, V679L.
Identifiers: ClinVar variation 477752 (VCV000477752.8), dbSNP rs1223935683, ClinGen allele CA376854108.

ClinVar aggregate classification (germline): Uncertain significance (1 of 4 stars; one submission).

Conditions:
Dilated cardiomyopathy 1KK (CMD1KK). Identifiers: Orphanet 154, Orphanet 75249, MedGen C3714995, MONDO:0014100, OMIM 615248.

Allele frequency attached by ClinVar (database versions not stated): gnomAD exomes below 0.00001; TOPMed below 0.00001.
gnomAD v4.1: 1 of 1,613,254 alleles (0.000062%); highest among the groups gnomAD compares: Non-Finnish European, 0.000085%; no homozygotes.

Submission:

Labcorp Genetics (formerly Invitae), Labcorp
Classification: Uncertain significance for Dilated cardiomyopathy 1KK. Last evaluated: 2022-07-06. Review status: criteria provided, single submitter. Criteria: Invitae Variant Classification Sherloc (09022015). Collection method: clinical testing. Allele origin: germline.
Comment: This variant has not been reported in the literature in individuals affected with MYPN-related conditions. ClinVar contains an entry for this variant (Variation ID: 477752). Algorithms developed to predict the effect of missense changes on protein structure and function (SIFT, PolyPhen-2, Align-GVGD) all suggest that this variant is likely to be tolerated. In summary, the available evidence is currently insufficient to determine the role of this variant in disease. Therefore, it has been classified as a Variant of Uncertain Significance. This variant is present in population databases (no rsID available, gnomAD 0.0009%). This sequence change replaces valine, which is neutral and non-polar, with leucine, which is neutral and non-polar, at codon 973 of the MYPN protein (p.Val973Leu).